The following is an entry in ClinVar:

ClinVar aggregate classification (germline): Benign (1 of 4 stars; one submission).

Conditions:
Renal hypomagnesemia 4. Also called: HYPOMAGNESEMIA, RENAL, NORMOCALCIURIC. Identifiers: Orphanet 34527, MedGen C2673648, MONDO:0012717, OMIM 611718.

Allele frequency attached by ClinVar (database versions not stated): gnomAD 0.27706 and 0.27734; TOPMed 0.30867; 1000 Genomes Project 0.42552; 1000 Genomes Project 30x 0.42552.
gnomAD v4.1: 42,012 of 152,088 alleles (28%); highest among the groups gnomAD compares: African/African-American, 64%; 10,749 homozygotes.

Submission:

Illumina Laboratory Services, Illumina
Classification: Benign for Renal hypomagnesemia 4. Last evaluated: 2018-01-13. Review status: criteria provided, single submitter. Criteria: ICSL Variant Classification Criteria 13 December 2019. Collection method: clinical testing. Allele origin: germline.
Comment: This variant was observed in the ICSL laboratory as part of a predisposition screen in an ostensibly healthy population. It had not been previously curated by ICSL or reported in the Human Gene Mutation Database (HGMD: prior to June 1st, 2018), and was therefore a candidate for classification through an automated scoring system. Utilizing variant allele frequency, disease prevalence and penetrance estimates, and inheritance mode, an automated score was calculated to assess if this variant is too frequent to cause the disease. Based on the score and internal cut-off values, a variant classified as benign is not then subjected to further curation. The score for this variant resulted in a classification of benign for this disease.

NM_001963.6(EGF):c.*1244T>C

Gene: EGF (epidermal growth factor; plus strand). Cytogenetic location: 4q25.
Variant type: single nucleotide variant.
Coding change: c.*1244T>C on transcript NM_001963.6 (MANE Select); 1244 bases downstream of the stop codon, T replaced by C.
Molecular consequence: 3 prime UTR variant.
Genome position (GRCh38, 1-based): chr4:110,012,699, T>C. VCF-style: chr4-110012699-T-C. GRCh37 (hg19) VCF-style: chr4-110933855-T-C.
Other names: c.*1244T>C (NM_001178130.3, NM_001178131.3); c.*1387T>C (NM_001357021.2).
Identifiers: ClinVar variation 347283 (VCV000347283.5), dbSNP rs7653900, ClinGen allele CA10617769.